The following is an entry in ClinVar:

NM_022168.4(IFIH1):c.646G>A (p.Asp216Asn)

Gene: IFIH1 (interferon induced with helicase C domain 1; minus strand). Cytogenetic location: 2q24.2.
Variant type: single nucleotide variant.
Coding change: c.646G>A on transcript NM_022168.4 (MANE Select); coding-DNA position 646, G replaced by A.
Protein change: p.Asp216Asn; replaces aspartic acid 216 with asparagine.
Molecular consequence: missense variant.
Genome position (GRCh38, 1-based): chr2:162,306,832, C>T on the plus strand (G>A on the coding strand, the complement: IFIH1 is on the minus strand). VCF-style: chr2-162306832-C-T. GRCh37 (hg19) VCF-style: chr2-163163342-C-T.
Other names: short protein forms D216N.
Identifiers: ClinVar variation 2049030 (VCV002049030.4), dbSNP rs2468992257, ClinGen allele CA349008707.

ClinVar aggregate classification (germline): Uncertain significance (1 of 4 stars; one submission).

Conditions:
Singleton-Merten syndrome 1 (SGMRT1). Also called: Widened medullary cavities of bone, aortic calcification, abnormal dentition, and muscular weakness; Syndrome of widened medullary cavities of the metacarpals and phalanges, aortic calcification and abnormal dentition. Identifiers: Orphanet 85191, MedGen C4225427, MONDO:0024535, OMIM 182250.
Aicardi-Goutieres syndrome 7 (AGS7). Identifiers: Orphanet 51, MedGen C3888244, MONDO:0014367, OMIM 615846.

Allele frequency attached by ClinVar (database versions not stated): gnomAD exomes below 0.00001.
gnomAD v4.1: 2 of 1,613,842 alleles (0.00012%); highest among the groups gnomAD compares: Non-Finnish European, 0.00017%; no homozygotes.

Submission:

Labcorp Genetics (formerly Invitae), Labcorp
Classification: Uncertain significance for Aicardi-Goutieres syndrome 7; Singleton-Merten syndrome 1. Last evaluated: 2024-04-24. Review status: criteria provided, single submitter. Criteria: Invitae Variant Classification Sherloc (09022015). Collection method: clinical testing. Allele origin: germline.
Comment: This sequence change replaces aspartic acid, which is acidic and polar, with asparagine, which is neutral and polar, at codon 216 of the IFIH1 protein (p.Asp216Asn). This variant is not present in population databases (gnomAD no frequency). This variant has not been reported in the literature in individuals affected with IFIH1-related conditions. ClinVar contains an entry for this variant (Variation ID: 2049030). Algorithms developed to predict the effect of missense changes on protein structure and function output the following: SIFT: "Not Available"; PolyPhen-2: "Benign"; Align-GVGD: "Not Available". The asparagine amino acid residue is found in multiple mammalian species, which suggests that this missense change does not adversely affect protein function. In summary, the available evidence is currently insufficient to determine the role of this variant in disease. Therefore, it has been classified as a Variant of Uncertain Significance.